The following is an entry in ClinVar:

ClinVar aggregate classification (germline): Uncertain significance. Review status: criteria provided, multiple submitters, no conflicts (2 of 4 stars). 3 submissions from 3 submitters: Uncertain significance (3). Last evaluated 2025-08-20.

Conditions:
Cardiovascular phenotype. Identifiers: MedGen CN230736.

Allele frequency attached by ClinVar (database versions not stated): gnomAD exomes 0.00002; TOPMed 0.00002; gnomAD 0.00004.
gnomAD v4.1: 31 of 1,613,914 alleles (0.0019%); highest among the groups gnomAD compares: Non-Finnish European, 0.0025%; no homozygotes.

Submissions (3):

Labcorp Genetics (formerly Invitae), Labcorp
Classification: Uncertain significance. Last evaluated: 2025-08-20. Review status: criteria provided, single submitter. Criteria: Invitae Variant Classification Sherloc (09022015). Collection method: clinical testing. Allele origin: germline.
Comment: This sequence change replaces lysine, which is basic and polar, with glutamic acid, which is acidic and polar, at codon 536 of the ALPK3 protein (p.Lys536Glu). This variant is present in population databases (no rsID available, gnomAD 0.004%). This missense change has been observed in individual(s) with hypertrophic cardiomyopathy (PMID: 32480058). ClinVar contains an entry for this variant (Variation ID: 1444184). An algorithm developed to predict the effect of missense changes on protein structure and function (PolyPhen-2) suggests that this variant is likely to be tolerated. In summary, the available evidence is currently insufficient to determine the role of this variant in disease. Therefore, it has been classified as a Variant of Uncertain Significance.

GeneDx
Classification: Uncertain significance. Last evaluated: 2023-09-20. Review status: criteria provided, single submitter. Criteria: GeneDx Variant Classification Process June 2021. Collection method: clinical testing. Allele origin: germline. Affected: yes.
Comment: Has been reported as a variant of uncertain significance in an individual with HCM (Herkert et al., 2020).; In silico analysis supports that this missense variant does not alter protein structure/function; This variant is associated with the following publications: (PMID: 32480058)

Ambry Genetics
Classification: Uncertain significance for Cardiovascular phenotype. Last evaluated: 2023-01-18. Review status: criteria provided, single submitter. Criteria: Ambry Variant Classification Scheme 2023. Collection method: clinical testing. Allele origin: germline.
Comment: The p.K536E variant (also known as c.1606A>G), located in coding exon 5 of the ALPK3 gene, results from an A to G substitution at nucleotide position 1606. The lysine at codon 536 is replaced by glutamic acid, an amino acid with similar properties. This variant has been detected in an individual reported to have hypertrophic cardiomyopathy (Herkert JC. Am Heart J. 2020 Jul;225:108-119). This amino acid position is not well conserved in available vertebrate species. In addition, this alteration is predicted to be tolerated by in silico analysis. Since supporting evidence is limited at this time, the clinical significance of this alteration remains unclear.

Literature cited by the submitters: PubMed 32480058 (cited by Labcorp Genetics (formerly Invitae), Labcorp and Ambry Genetics).

NM_020778.5(ALPK3):c.1000A>G (p.Lys334Glu)

Gene: ALPK3 (alpha kinase 3; plus strand). Cytogenetic location: 15q25.3.
Variant type: single nucleotide variant.
Coding change: c.1000A>G on transcript NM_020778.5 (MANE Select); coding-DNA position 1000, A replaced by G.
Protein change: p.Lys334Glu; replaces lysine 334 with glutamic acid.
Molecular consequence: missense variant.
Genome position (GRCh38, 1-based): chr15:84,840,279, A>G. VCF-style: chr15-84840279-A-G. GRCh37 (hg19) VCF-style: chr15-85383510-A-G.
Other names: short protein forms K334E.
Identifiers: ClinVar variation 1444184 (VCV001444184.9), dbSNP rs1273788350, ClinGen allele CA393374051.
Genomic context (GRCh38, chr15:84,840,279, plus strand): 5'-GCCAAGAAGAAAAAGAAAGATGAGGAATCCAAGCAAGGCCTGCGGAAGCCAGAGTTAGAG[A>G]AGGCAGCCCAAAGCCGCCGTTCTTCAGAAAACTGCATCCCCAGCTCAGACGAGCCTGACT-3'
Protein context (NP_065829.4, residues 324-344): KQGLRKPELE[Lys334Glu]AAQSRRSSEN